The following is an entry in ClinVar:

NM_000492.4(CFTR):c.3389_3402del (p.Gly1130fs)

Genes: CFTR (CF transmembrane conductance regulator; plus strand), CFTR-AS2 (CFTR antisense RNA 2; minus strand). Cytogenetic location: 7q31.2.
Variant type: Deletion.
Coding change: c.3389_3402del on transcript NM_000492.4 (MANE Select); coding-DNA positions 3389 to 3402, 14 bases deleted (GTATTATCCTGACT).
Protein change: p.Gly1130fs; shifts the reading frame from glycine 1130.
Molecular consequence: frameshift variant.
Genome position (GRCh38, 1-based): chr7:117,614,634-117,614,647, GTATTATCCTGACT deleted. VCF-style (leftmost placement, unchanged base first): chr7-117614633-GGTATTATCCTGACT-G. GRCh37 (hg19) VCF-style: chr7-117254687-GGTATTATCCTGACT-G.
Other names: short protein forms G1130fs.
Identifiers: ClinVar variation 1706012 (VCV001706012.1), dbSNP rs2485133921, ClinGen allele CA2580076397.

ClinVar aggregate classification (germline): Likely pathogenic (1 of 4 stars; one submission).

Conditions:
Cystic fibrosis (CF). Also called: MUCOVISCIDOSIS. Identifiers: Orphanet 586, MedGen C0010674, MONDO:0009061, OMIM 219700. Disease mechanism: loss of function.

Submission:

Institute of Human Genetics, University of Leipzig Medical Center
Classification: Likely pathogenic for Cystic fibrosis. Last evaluated: 2022-09-05. Review status: criteria provided, single submitter. Criteria: ACMG Guidelines, 2015. Collection method: curation. Allele origin: unknown. Affected: yes. Observed: 1 variant allele.
Comment: The variant was classified in the context of a project re-classifying variants in the German Cystic Fibrosis Registry (Muko.e.V.). Criteria applied: PVS1, PM2_SUP